The following is an entry in ClinVar:

ClinVar aggregate classification (germline): Uncertain significance (1 of 4 stars; one submission).

Conditions:
Progressive sclerosing poliodystrophy (MTDPS4A). Also called: ALPERS PROGRESSIVE INFANTILE POLIODYSTROPHY; NEURONAL DEGENERATION OF CHILDHOOD WITH LIVER DISEASE, PROGRESSIVE; Mitochondrial DNA depletion syndrome 4A (Alpers type); Mitochondrial DNA Depletion Syndrome 4A; Alpers-Huttenlocher Syndrome (AHS); Alpers Syndrome. Identifiers: Orphanet 726, MedGen C0205710, MONDO:0008758, OMIM 203700.

Allele frequency attached by ClinVar (database versions not stated): TOPMed 0.00001.
gnomAD v4.1: 3 of 1,611,470 alleles (0.00019%); highest among the groups gnomAD compares: Middle Eastern, 0.016%; no homozygotes.

Submission:

Labcorp Genetics (formerly Invitae), Labcorp
Classification: Uncertain significance for Progressive sclerosing poliodystrophy. Last evaluated: 2023-08-04. Review status: criteria provided, single submitter. Criteria: Invitae Variant Classification Sherloc (09022015). Collection method: clinical testing. Allele origin: germline.
Comment: This sequence change replaces aspartic acid, which is acidic and polar, with glutamic acid, which is acidic and polar, at codon 582 of the POLG protein (p.Asp582Glu). The frequency data for this variant in the population databases is considered unreliable, as metrics indicate poor data quality at this position in the gnomAD database. This variant has not been reported in the literature in individuals affected with POLG-related conditions. Advanced modeling of protein sequence and biophysical properties (such as structural, functional, and spatial information, amino acid conservation, physicochemical variation, residue mobility, and thermodynamic stability) performed at Invitae indicates that this missense variant is not expected to disrupt POLG protein function. In summary, the available evidence is currently insufficient to determine the role of this variant in disease. Therefore, it has been classified as a Variant of Uncertain Significance.

NM_002693.3(POLG):c.1746C>A (p.Asp582Glu)

Gene: POLG (DNA polymerase gamma, catalytic subunit; minus strand). Cytogenetic location: 15q26.1.
Variant type: single nucleotide variant.
Coding change: c.1746C>A on transcript NM_002693.3 (MANE Select); coding-DNA position 1746, C replaced by A.
Protein change: p.Asp582Glu; replaces aspartic acid 582 with glutamic acid.
Molecular consequence: missense variant.
Genome position (GRCh38, 1-based): chr15:89,325,653, G>T on the plus strand (C>A on the coding strand, the complement: POLG is on the minus strand). VCF-style: chr15-89325653-G-T. GRCh37 (hg19) VCF-style: chr15-89868884-G-T.
Other names: c.1746C>A, p.Asp582Glu (NM_001126131.2); short protein forms D582E.
Identifiers: ClinVar variation 2712051 (VCV002712051.3), dbSNP rs758032806, ClinGen allele CA7724695.
Genomic context (GRCh38, chr15:89,325,653, plus strand): 5'-GAGTTTAGGTGTGACCCGCATCTGCAGGCTGAGGAGGCTGGGGCCCGGGGTCCATGCAGG[G>T]TCGTCTAGCCGGGGGCAGAGCTTCCGGTACCATCTACGTCCCAGCAGGAAGACAGCAGTG-3'
Protein context (NP_002684.1, residues 572-592): WYRKLCPRLD[Asp582Glu]PAWTPGPSLL